The following is an entry in ClinVar:

NM_001378457.1(DMXL2):c.2763A>T (p.Leu921Phe)

Gene: DMXL2 (Dmx like 2; minus strand). Cytogenetic location: 15q21.2.
Variant type: single nucleotide variant.
Coding change: c.2763A>T on transcript NM_001378457.1 (MANE Select); coding-DNA position 2763, A replaced by T.
Protein change: p.Leu921Phe; replaces leucine 921 with phenylalanine.
Molecular consequence: missense variant. On other transcripts: non-coding transcript variant (2).
Genome position (GRCh38, 1-based): chr15:51,507,135, T>A on the plus strand (A>T on the coding strand, the complement: DMXL2 is on the minus strand). VCF-style: chr15-51507135-T-A. GRCh37 (hg19) VCF-style: chr15-51799332-T-A.
Other names: p.Leu821Phe; c.2763A>T, p.Leu921Phe (NM_001174116.3, NM_001174117.3, NM_001378458.1 and 6 more transcripts); c.2523A>T, p.Leu841Phe (NM_001378464.1); short protein forms L841F, L921F.
Identifiers: ClinVar variation 2628079 (VCV002628079.2), dbSNP rs771246441, ClinGen allele CA7562271.

ClinVar aggregate classification (germline): Uncertain significance (1 of 4 stars; one submission).

Conditions:
Hearing loss, autosomal dominant 71. Also called: DEAFNESS, AUTOSOMAL DOMINANT 71. Identifiers: MedGen C4539881, MONDO:0033258, OMIM 617605.

gnomAD v4.1: 6 of 1,588,604 alleles (0.00038%); highest among the groups gnomAD compares: South Asian, 0.0069%; no homozygotes.

Submission:

Foundation for Research in Genetics and Endocrinology, FRIGE's Institute of Human Genetics
Classification: Uncertain significance for Hearing loss, autosomal dominant 71. Last evaluated: 2023-11-07. Review status: criteria provided, single submitter. Criteria: ACMG Guidelines, 2015. Collection method: clinical testing. Allele origin: germline. Inheritance: Autosomal dominant inheritance. Affected: yes. Observed: 1 heterozygote.
Comment: A heterozygous missense variant in exon 16 of the DMXL2 gene that results in the amino acid substitution of Phenylalanine for Leucine at codon 921 was detected . The p.Leu921Phe variant has not been reported in the 1000 genomes, gnomAD (v3.1), gnomdAD (v2) and topmed databases . The in silico predictions of the variant are possibly damaging by PolyPhen-2 (HumDiv) a and damaging by SIFT. The reference codon is conserved across species. In summary, the variant meets our criteria to be classified as variant of uncertain significance.